The following is an entry in ClinVar:

ClinVar aggregate classification (germline): Uncertain significance (1 of 4 stars; one submission).

Conditions:
Familial thoracic aortic aneurysm and aortic dissection (TAAD). Also called: Thoracic aortic aneurysms and dissections. Identifiers: Orphanet 91387, MedGen C4707243, MONDO:0019625.

Submission:

Color Diagnostics, LLC DBA Color Health
Classification: Uncertain significance for Familial thoracic aortic aneurysm and aortic dissection. Last evaluated: 2023-12-05. Review status: criteria provided, single submitter. Criteria: ACMG Guidelines, 2015. Collection method: clinical testing. Allele origin: germline.
Comment: This missense variant replaces threonine with isoleucine at codon 907 of the MYH11 protein. Computational prediction tools and conservation analyses are inconclusive regarding the impact of this variant on the protein function. Computational splicing tools suggest that this variant may not impact RNA splicing. To our knowledge, functional assays have not been performed for this variant nor has this variant been reported in individuals affected with cardiovascular disorders in the literature. This variant has not been identified in the general population by the Genome Aggregation Database (gnomAD). Available evidence is insufficient to determine the role of this variant in disease conclusively. Therefore, this variant is classified as a Variant of Uncertain Significance.

NM_002474.3(MYH11):c.2699C>T (p.Thr900Ile)

Gene: MYH11 (myosin heavy chain 11; minus strand). Cytogenetic location: 16p13.11.
Variant type: single nucleotide variant.
Coding change: c.2699C>T on transcript NM_002474.3 (MANE Select); coding-DNA position 2699, C replaced by T.
Protein change: p.Thr900Ile; replaces threonine 900 with isoleucine.
Molecular consequence: missense variant.
Genome position (GRCh38, 1-based): chr16:15,741,623, G>A on the plus strand (C>T on the coding strand, the complement: MYH11 is on the minus strand). VCF-style: chr16-15741623-G-A. GRCh37 (hg19) VCF-style: chr16-15835480-G-A.
Other names: c.2720C>T, p.Thr907Ile (NM_001040113.2, NM_001040114.2); c.2699C>T, p.Thr900Ile (NM_022844.3); short protein forms T900I, T907I.
Identifiers: ClinVar variation 918546 (VCV000918546.5), dbSNP rs866907050, ClinGen allele CA394865670.